The following is an entry in ClinVar:

NM_003482.4(KMT2D):c.12200C>T (p.Pro4067Leu)

Gene: KMT2D (lysine methyltransferase 2D; minus strand). Cytogenetic location: 12q13.12.
Variant type: single nucleotide variant.
Coding change: c.12200C>T on transcript NM_003482.4 (MANE Select); coding-DNA position 12200, C replaced by T.
Protein change: p.Pro4067Leu; replaces proline 4067 with leucine.
Molecular consequence: missense variant.
Genome position (GRCh38, 1-based): chr12:49,032,505, G>A on the plus strand (C>T on the coding strand, the complement: KMT2D is on the minus strand). VCF-style: chr12-49032505-G-A. GRCh37 (hg19) VCF-style: chr12-49426288-G-A.
Other names: short protein forms P4067L.
Identifiers: ClinVar variation 2133713 (VCV002133713.4), dbSNP rs1456513754, ClinGen allele CA384712628.

ClinVar aggregate classification (germline): Uncertain significance (1 of 4 stars; one submission).

Conditions:
Kabuki syndrome. Also called: NIIKAWA-KUROKI SYNDROME; Kabuki make-up syndrome. Identifiers: Orphanet 2322, MedGen C0796004, MONDO:0016512.

Allele frequency attached by ClinVar (database versions not stated): TOPMed 0.00001.
gnomAD v4.1: 3 of 1,580,074 alleles (0.00019%); highest among the groups gnomAD compares: Admixed American, 0.0019%; no homozygotes.

Submission:

Labcorp Genetics (formerly Invitae), Labcorp
Classification: Uncertain significance for Kabuki syndrome. Last evaluated: 2022-06-20. Review status: criteria provided, single submitter. Criteria: Invitae Variant Classification Sherloc (09022015). Collection method: clinical testing. Allele origin: germline.
Comment: In summary, the available evidence is currently insufficient to determine the role of this variant in disease. Therefore, it has been classified as a Variant of Uncertain Significance. Advanced modeling of protein sequence and biophysical properties (such as structural, functional, and spatial information, amino acid conservation, physicochemical variation, residue mobility, and thermodynamic stability) performed at Invitae indicates that this missense variant is not expected to disrupt KMT2D protein function. This variant has not been reported in the literature in individuals affected with KMT2D-related conditions. This variant is not present in population databases (gnomAD no frequency). This sequence change replaces proline, which is neutral and non-polar, with leucine, which is neutral and non-polar, at codon 4067 of the KMT2D protein (p.Pro4067Leu).